The following is an entry in ClinVar:

ClinVar aggregate classification (germline): Benign (1 of 4 stars; one submission).

Conditions:
Familial intrahepatic cholestasis. Identifiers: Orphanet 284385, MedGen CN296401, MONDO:0017290.

Submission:

Genomenon, Inc
Classification: Benign for Familial intrahepatic cholestasis. Last evaluated: 2026-04-14. Review status: criteria provided, single submitter. Criteria: Genomenon Sequence Variant Interpretation Standards - Updated. Collection method: curation. Allele origin: germline. Affected: no.
Comment: ABCB11 c.1309-31del is an intronic variant located in intron 12. This variant is present at high allele frequency in population databases. In conclusion, we classify ABCB11 c.1309-31del as a benign variant.

NM_003742.4(ABCB11):c.1309-31del

Gene: ABCB11 (ATP binding cassette subfamily B member 11; minus strand). Cytogenetic location: 2q31.1.
Variant type: Deletion.
Coding change: c.1309-31del on transcript NM_003742.4 (MANE Select); 31 bases into the intron before coding-DNA position 1309, one base deleted (T; older notation c.1309-31delT).
Molecular consequence: intron variant.
Genome position (GRCh38, 1-based): chr2:168,973,871, A deleted on the plus strand (T on the coding strand, the reverse complement: ABCB11 is on the minus strand). VCF-style (leftmost placement, unchanged base first): chr2-168973870-GA-G. GRCh37 (hg19) VCF-style: chr2-169830380-GA-G.
Identifiers: ClinVar variation 4846689 (VCV004846689.1).